The following is an entry in ClinVar:

NM_000875.5(IGF1R):c.1035T>G (p.Thr345=)

Genes: IGF1R (insulin like growth factor 1 receptor; plus strand), LOC126862245 (P300/CBP strongly-dependent group 1 enhancer GRCh37_chr15:99439536-99440735; plus strand). Cytogenetic location: 15q26.3.
Variant type: single nucleotide variant.
Coding change: c.1035T>G on transcript NM_000875.5 (MANE Select); coding-DNA position 1035, T replaced by G.
Protein change: p.Thr345=; no amino-acid change (threonine 345 retained).
Molecular consequence: synonymous variant.
Genome position (GRCh38, 1-based): chr15:98,896,838, T>G. VCF-style: chr15-98896838-T-G. GRCh37 (hg19) VCF-style: chr15-99440067-T-G.
Other names: c.1035T>G, p.Thr345= (NM_001291858.2).
Identifiers: ClinVar variation 744885 (VCV000744885.17), dbSNP rs774157627, ClinGen allele CA7751992.

ClinVar aggregate classification (germline): Benign/Likely benign. Review status: criteria provided, multiple submitters, no conflicts (2 of 4 stars). 3 submissions from 3 submitters: Benign (1); Likely benign (2). Last evaluated 2026-09-01.

Allele frequency attached by ClinVar (database versions not stated): gnomAD 0.00003; TOPMed 0.00011; ExAC 0.00018; gnomAD exomes 0.00020.
gnomAD v4.1: 60 of 1,614,040 alleles (0.0037%); highest among the groups gnomAD compares: Admixed American, 0.097%; no homozygotes.

Submissions (3):

CeGaT Center for Human Genetics Tuebingen
Classification: Likely benign. Last evaluated: 2026-09-01. Review status: criteria provided, single submitter. Criteria: CeGaT Center For Human Genetics Tuebingen Variant Classification Criteria Version 2. Collection method: clinical testing. Allele origin: germline. Affected: yes. Observed: 3 variant alleles.
Comment: IGF1R: BP4, BP7

Women's Health and Genetics/Laboratory Corporation of America, LabCorp
Classification: Likely benign. Last evaluated: 2026-05-06. Review status: criteria provided, single submitter. Criteria: LabCorp Variant Classification Summary - May 2015. Collection method: clinical testing. Allele origin: germline.

Labcorp Genetics (formerly Invitae), Labcorp
Classification: Benign. Last evaluated: 2025-11-10. Review status: criteria provided, single submitter. Criteria: Invitae Variant Classification Sherloc (09022015). Collection method: clinical testing. Allele origin: germline.